The following is an entry in ClinVar:

ClinVar aggregate classification (germline): Uncertain significance (0 of 4 stars; one submission).

Conditions:
PLXNA2-related disorder. Also called: PLXNA2-related condition.

gnomAD v4.1: 25 of 1,614,100 alleles (0.0015%); highest among the groups gnomAD compares: African/African-American, 0.0027%; no homozygotes.

Submission:

PreventionGenetics, part of Exact Sciences
Classification: Uncertain significance for PLXNA2-related condition. Last evaluated: 2024-09-16. Review status: no assertion criteria provided. Collection method: clinical testing. Allele origin: germline.
Comment: The PLXNA2 c.4144G>A variant is predicted to result in the amino acid substitution p.Asp1382Asn. To our knowledge, this variant has not been reported in the literature. This variant is reported in 0.0062% of alleles in individuals of African descent in gnomAD. At this time, the clinical significance of this variant is uncertain due to the absence of conclusive functional and genetic evidence.

NM_025179.4(PLXNA2):c.4144G>A (p.Asp1382Asn)

Gene: PLXNA2 (plexin A2; minus strand). Cytogenetic location: 1q32.2.
Variant type: single nucleotide variant.
Coding change: c.4144G>A on transcript NM_025179.4 (MANE Select); coding-DNA position 4144, G replaced by A.
Protein change: p.Asp1382Asn; replaces aspartic acid 1382 with asparagine.
Molecular consequence: missense variant.
Genome position (GRCh38, 1-based): chr1:208,042,240, C>T on the plus strand (G>A on the coding strand, the complement: PLXNA2 is on the minus strand). VCF-style: chr1-208042240-C-T. GRCh37 (hg19) VCF-style: chr1-208215585-C-T.
Other names: short protein forms D1382N.
Identifiers: ClinVar variation 3355986 (VCV003355986.1).